The following is an entry in ClinVar:

NM_001367561.1(DOCK7):c.768A>G (p.Ile256Met)

Gene: DOCK7 (dedicator of cytokinesis 7; minus strand). Cytogenetic location: 1p31.3.
Variant type: single nucleotide variant.
Coding change: c.768A>G on transcript NM_001367561.1 (MANE Select); coding-DNA position 768, A replaced by G.
Protein change: p.Ile256Met; replaces isoleucine 256 with methionine.
Molecular consequence: missense variant.
Genome position (GRCh38, 1-based): chr1:62,647,741, T>C on the plus strand (A>G on the coding strand, the complement: DOCK7 is on the minus strand). VCF-style: chr1-62647741-T-C. GRCh37 (hg19) VCF-style: chr1-63113412-T-C.
Other names: c.768A>G, p.Ile256Met (NM_001271999.2, NM_001272000.2, NM_001272001.2 and 3 more transcripts); short protein forms I256M.
Identifiers: ClinVar variation 938728 (VCV000938728.10), dbSNP rs1408205698, ClinGen allele CA340626436.

ClinVar aggregate classification (germline): Uncertain significance (1 of 4 stars; one submission).

Conditions:
Developmental and epileptic encephalopathy, 23 (DEE23). Also called: Epileptic encephalopathy, early infantile, 23. Identifiers: Orphanet 411986, MedGen C4014492, MONDO:0014371, OMIM 615859.

Allele frequency attached by ClinVar (database versions not stated): TOPMed below 0.00001.

Submission:

Labcorp Genetics (formerly Invitae), Labcorp
Classification: Uncertain significance for Developmental and epileptic encephalopathy, 23. Last evaluated: 2022-08-23. Review status: criteria provided, single submitter. Criteria: Invitae Variant Classification Sherloc (09022015). Collection method: clinical testing. Allele origin: germline.
Comment: This sequence change replaces isoleucine, which is neutral and non-polar, with methionine, which is neutral and non-polar, at codon 256 of the DOCK7 protein (p.Ile256Met). This variant is not present in population databases (gnomAD no frequency). This variant has not been reported in the literature in individuals affected with DOCK7-related conditions. ClinVar contains an entry for this variant (Variation ID: 938728). Algorithms developed to predict the effect of missense changes on protein structure and function are either unavailable or do not agree on the potential impact of this missense change (SIFT: "Deleterious"; PolyPhen-2: "Benign"; Align-GVGD: "Class C0"). In summary, the available evidence is currently insufficient to determine the role of this variant in disease. Therefore, it has been classified as a Variant of Uncertain Significance.